The following is an entry in ClinVar:

ClinVar aggregate classification (germline): Uncertain significance (0 of 4 stars; one submission).

Conditions:
Prostate cancer. Also called: Malignant tumor of prostate. Identifiers: Orphanet 1331, MedGen C0376358, MONDO:0008315, HP:0012125.

Submission:

Science for Life laboratory,  Karolinska Institutet
Classification: Uncertain significance for Malignant tumor of prostate. Review status: no assertion criteria provided. Collection method: not provided. Allele origin: somatic.
Comment: TumorID:SWE-17
ClinVar note: Converted during submission from Unknown to Uncertain significance.

NM_005884.5(PAK4):c.1504G>C (p.Gly502Arg)

Gene: PAK4 (p21 (RAC1) activated kinase 4; plus strand). Cytogenetic location: 19q13.2.
Variant type: single nucleotide variant.
Coding change: c.1504G>C on transcript NM_005884.5 (MANE Select); coding-DNA position 1504, G replaced by C.
Protein change: p.Gly502Arg; replaces glycine 502 with arginine.
Molecular consequence: missense variant.
Genome position (GRCh38, 1-based): chr19:39,177,693, G>C. VCF-style: chr19-39177693-G-C. GRCh37 (hg19) VCF-style: chr19-39668333-G-C.
Other names: c.1504G>C, p.Gly502Arg (NM_001014831.3, NM_001014832.2, NM_001394501.1); c.1045G>C, p.Gly349Arg (NM_001014834.3, NM_001014835.2); short protein forms G502R, G349R.
Identifiers: ClinVar variation 161494 (VCV000161494.3), dbSNP rs193920877, ClinGen allele CA174136.